The following is an entry in ClinVar:

NM_001278116.2(L1CAM):c.1547-14C>T

Gene: L1CAM (L1 cell adhesion molecule; minus strand). Cytogenetic location: Xq28.
Variant type: single nucleotide variant.
Coding change: c.1547-14C>T on transcript NM_001278116.2 (MANE Select); 14 bases into the intron before coding-DNA position 1547, C replaced by T.
Molecular consequence: intron variant.
Genome position (GRCh38, 1-based): chrX:153,868,472, G>A on the plus strand (C>T on the coding strand, the complement: L1CAM is on the minus strand). VCF-style: chrX-153868472-G-A. GRCh37 (hg19) VCF-style: chrX-153133927-G-A.
Other names: c.1532-14C>T (NM_001143963.2); c.1547-14C>T (NM_024003.3, NM_000425.5).
Identifiers: ClinVar variation 1286220 (VCV001286220.28), dbSNP rs145192924, ClinGen allele CA10554344.

ClinVar aggregate classification (germline): Benign/Likely benign. Review status: criteria provided, multiple submitters, no conflicts (2 of 4 stars). 3 submissions from 3 submitters: Benign (2); Likely benign (1). Last evaluated 2026-08-01.

Conditions:
Spastic paraplegia. Identifiers: MedGen C0037772, HP:0001258.

Allele frequency attached by ClinVar (database versions not stated): gnomAD exomes 0.00007 and 0.00008; ExAC 0.00009; ESP Exome Variant Server 0.00009; gnomAD 0.00009; TOPMed 0.00017; 1000 Genomes Project 30x 0.00062; 1000 Genomes Project 0.00079.
gnomAD v4.1: 91 of 1,210,528 alleles (0.0075%); highest among the groups gnomAD compares: African/African-American, 0.057%; no homozygotes.

Submissions (3):

CeGaT Center for Human Genetics Tuebingen
Classification: Likely benign. Last evaluated: 2026-08-01. Review status: criteria provided, single submitter. Criteria: CeGaT Center For Human Genetics Tuebingen Variant Classification Criteria Version 2. Collection method: clinical testing. Allele origin: germline. Affected: yes. Observed: 3 variant alleles.
Comment: L1CAM: BS2

Labcorp Genetics (formerly Invitae), Labcorp
Classification: Benign for Spastic paraplegia. Last evaluated: 2025-12-30. Review status: criteria provided, single submitter. Criteria: Invitae Variant Classification Sherloc (09022015). Collection method: clinical testing. Allele origin: germline.

GeneDx
Classification: Benign. Last evaluated: 2015-03-03. Review status: criteria provided, single submitter. Criteria: GeneDx Variant Classification Process June 2021. Collection method: clinical testing. Allele origin: germline. Affected: yes.